The following is an entry in ClinVar:

ClinVar aggregate classification (germline): Likely benign. Review status: criteria provided, multiple submitters, no conflicts (2 of 4 stars). 3 submissions from 3 submitters: Likely benign (2). 1 of the submissions does not count toward it. Last evaluated 2026-01-18.

Conditions:
GUCA1A-related disorder. Also called: GUCA1A-related condition.

Allele frequency attached by ClinVar (database versions not stated): gnomAD exomes 0.00033 and 0.00041; ExAC 0.00040; gnomAD 0.00090 and 0.00095; ESP Exome Variant Server 0.00092; 1000 Genomes Project 0.00100; TOPMed 0.00108; 1000 Genomes Project 30x 0.00109.

Submissions (3):

Labcorp Genetics (formerly Invitae), Labcorp
Classification: Likely benign. Last evaluated: 2026-01-18. Review status: criteria provided, single submitter. Criteria: Invitae Variant Classification Sherloc (09022015). Collection method: clinical testing. Allele origin: germline.

Blueprint Genetics
Classification: Likely benign. Last evaluated: 2024-08-28. Review status: criteria provided, single submitter. Criteria: ACMG Guidelines, 2015. Collection method: clinical testing. Allele origin: germline.

PreventionGenetics, part of Exact Sciences
Classification: Likely benign for GUCA1A-related condition. Last evaluated: 2019-08-03. Review status: no assertion criteria provided. Collection method: clinical testing. Allele origin: germline. Not counted in ClinVar's aggregate classification.
Comment: This variant is classified as likely benign based on ACMG/AMP sequence variant interpretation guidelines (Richards et al. 2015 PMID: 25741868, with internal and published modifications).

NM_001384910.1(GUCA1A):c.118C>T (p.Arg40Cys)

Genes: GUCA1A (guanylate cyclase activator 1A; plus strand), GUCA1ANB-GUCA1A (GUCA1ANB-GUCA1A readthrough; plus strand). Cytogenetic location: 6p21.1.
Variant type: single nucleotide variant.
Coding change: c.118C>T on transcript NM_001384910.1 (MANE Select); coding-DNA position 118, C replaced by T.
Protein change: p.Arg40Cys; replaces arginine 40 with cysteine.
Molecular consequence: missense variant.
Genome position (GRCh38, 1-based): chr6:42,173,731, C>T. VCF-style: chr6-42173731-C-T. GRCh37 (hg19) VCF-style: chr6-42141469-C-T.
Other names: c.118C>T, p.Arg40Cys (NM_000409.5, NM_001319061.2, NM_001319062.2); short protein forms R40C.
Identifiers: ClinVar variation 728224 (VCV000728224.14), dbSNP rs150710654, ClinGen allele CA3805265.